The following is an entry in ClinVar:

NM_014845.6(FIG4):c.2405A>G (p.Tyr802Cys)

Gene: FIG4 (FIG4 phosphoinositide 5-phosphatase; plus strand). Cytogenetic location: 6q21.
Variant type: single nucleotide variant.
Coding change: c.2405A>G on transcript NM_014845.6 (MANE Select); coding-DNA position 2405, A replaced by G.
Protein change: p.Tyr802Cys; replaces tyrosine 802 with cysteine.
Molecular consequence: missense variant.
Genome position (GRCh38, 1-based): chr6:109,792,610, A>G. VCF-style: chr6-109792610-A-G. GRCh37 (hg19) VCF-style: chr6-110113813-A-G.
Other names: short protein forms Y802C.
Identifiers: ClinVar variation 245855 (VCV000245855.13), dbSNP rs370293982, ClinGen allele CA3956388.

ClinVar aggregate classification (germline): Uncertain significance. Review status: criteria provided, multiple submitters, no conflicts (2 of 4 stars). 4 submissions from 4 submitters: Uncertain significance (3). 1 of the submissions does not count toward it. Last evaluated 2025-03-17.

Conditions:
FIG4-related disorder. Also called: FIG4-related disorders; FIG4-related condition.
Inborn genetic diseases. Identifiers: MedGen C0950123, MeSH D030342.
Charcot-Marie-Tooth disease type 4. Also called: Charcot-Marie-Tooth disease, type IV; Charcot-Marie-Tooth, Type 4. Identifiers: Orphanet 64749, MedGen C4082197, MONDO:0018995.

Allele frequency attached by ClinVar (database versions not stated): ExAC 0.00001; gnomAD exomes 0.00001; TOPMed 0.00001; gnomAD 0.00002; ESP Exome Variant Server 0.00008.
gnomAD v4.1: 11 of 1,605,418 alleles (0.00069%); highest among the groups gnomAD compares: East Asian, 0.0022%; no homozygotes.

Submissions (4):

Labcorp Genetics (formerly Invitae), Labcorp
Classification: Uncertain significance for Charcot-Marie-Tooth disease type 4. Last evaluated: 2025-03-17. Review status: criteria provided, single submitter. Criteria: Invitae Variant Classification Sherloc (09022015). Collection method: clinical testing. Allele origin: germline.
Comment: This sequence change replaces tyrosine, which is neutral and polar, with cysteine, which is neutral and slightly polar, at codon 802 of the FIG4 protein (p.Tyr802Cys). This variant is present in population databases (rs370293982, gnomAD 0.002%). This variant has not been reported in the literature in individuals affected with FIG4-related conditions. ClinVar contains an entry for this variant (Variation ID: 245855). An algorithm developed to predict the effect of missense changes on protein structure and function (PolyPhen-2) suggests that this variant is likely to be disruptive. In summary, the available evidence is currently insufficient to determine the role of this variant in disease. Therefore, it has been classified as a Variant of Uncertain Significance.

Ambry Genetics
Classification: Uncertain significance for Inborn genetic diseases. Last evaluated: 2024-04-09. Review status: criteria provided, single submitter. Criteria: Ambry Variant Classification Scheme 2023. Collection method: clinical testing. Allele origin: germline.

GeneDx
Classification: Uncertain significance. Last evaluated: 2015-08-06. Review status: criteria provided, single submitter. Criteria: GeneDx Variant Classification (06012015). Collection method: clinical testing. Allele origin: germline. Affected: yes.
Comment: The Y802C variant has not been published as pathogenic, nor has it been reported as a benign polymorphism to our knowledge. It was not observed with any significant frequency in approximately 6,500 individuals of European and African American ancestry in the NHLBI Exome Sequencing Project. The Y802C variant is a non-conservative amino acid substitution, which is likely to impact secondary protein structure as these residues differ in polarity, charge, size and/or other properties. This substitution occurs at a position that is conserved across species, and in silico analysis predicts this variant is probably damaging to the protein structure/function. However, missense variants in nearby residues have not been been reported in Human Gene Mutation Database in association with FIG4-related disorders (Stenson et al., 2014). Therefore, based on the currently available information, it is unclear whether this variant is a pathogenic or a rare benign variant.

PreventionGenetics, part of Exact Sciences
Classification: Uncertain significance for FIG4-related condition. Last evaluated: 2024-08-18. Review status: no assertion criteria provided. Collection method: clinical testing. Allele origin: germline. Not counted in ClinVar's aggregate classification.
Comment: The FIG4 c.2405A>G variant is predicted to result in the amino acid substitution p.Tyr802Cys. To our knowledge, this variant has not been reported in the literature. This variant is reported in 0.0018% of alleles in individuals of European (Non-Finnish) descent in gnomAD. At this time, the clinical significance of this variant is uncertain due to the absence of conclusive functional and genetic evidence.